The following is an entry in ClinVar:

ClinVar aggregate classification (germline): Uncertain significance (1 of 4 stars; one submission).

Conditions:
Joubert syndrome 23 (JBTS23). Identifiers: Orphanet 475, MedGen C4084822, MONDO:0014664, OMIM 616490.
Short-rib thoracic dysplasia 14 with polydactyly (SRTD14). Identifiers: Orphanet 397715, MedGen C4225286, MONDO:0014688, OMIM 616546.

Submission:

Labcorp Genetics (formerly Invitae), Labcorp
Classification: Uncertain significance for Joubert syndrome 23; Short-rib thoracic dysplasia 14 with polydactyly. Last evaluated: 2022-08-21. Review status: criteria provided, single submitter. Criteria: Invitae Variant Classification Sherloc (09022015). Collection method: clinical testing. Allele origin: germline.
Comment: In summary, the available evidence is currently insufficient to determine the role of this variant in disease. Therefore, it has been classified as a Variant of Uncertain Significance. Algorithms developed to predict the effect of missense changes on protein structure and function (SIFT, PolyPhen-2, Align-GVGD) all suggest that this variant is likely to be tolerated. This variant has not been reported in the literature in individuals affected with KIAA0586-related conditions. This variant is not present in population databases (gnomAD no frequency). This sequence change replaces arginine, which is basic and polar, with serine, which is neutral and polar, at codon 447 of the KIAA0586 protein (p.Arg447Ser).

NM_001329943.3(KIAA0586):c.1182A>C (p.Arg394Ser)

Gene: KIAA0586 (KIAA0586; plus strand). Cytogenetic location: 14q23.1.
Variant type: single nucleotide variant.
Coding change: c.1182A>C on transcript NM_001329943.3 (MANE Select); coding-DNA position 1182, A replaced by C.
Protein change: p.Arg394Ser; replaces arginine 394 with serine.
Molecular consequence: missense variant.
Genome position (GRCh38, 1-based): chr14:58,453,402, A>C. VCF-style: chr14-58453402-A-C. GRCh37 (hg19) VCF-style: chr14-58920120-A-C.
Other names: c.1341A>C, p.Arg447Ser (NM_001244189.2); c.1137A>C, p.Arg379Ser (NM_001244190.2); c.927A>C, p.Arg309Ser (NM_001244191.2, NM_001329945.2, NM_001364700.1 and 1 more transcripts); c.1050A>C, p.Arg350Ser (NM_001244192.2); c.762A>C, p.Arg254Ser (NM_001244193.2); c.1182A>C, p.Arg394Ser (NM_001329944.2, NM_001329946.2, NM_001329947.2 and 1 more transcripts); short protein forms R254S, R309S, R350S, R379S, R394S, R447S.
Identifiers: ClinVar variation 1717330 (VCV001717330.5), dbSNP rs2543003058, ClinGen allele CA389866784.